The following is an entry in ClinVar:

ClinVar aggregate classification (germline): Likely benign (1 of 4 stars; one submission).

Allele frequency attached by ClinVar (database versions not stated): gnomAD exomes 0.00001; gnomAD 0.00001; TOPMed 0.00001 and 0.00002; ExAC 0.00001.
gnomAD v4.1: 9 of 1,613,608 alleles (0.00056%); highest among the groups gnomAD compares: Admixed American, 0.0033%; no homozygotes.

Submission:

GeneDx
Classification: Likely benign. Last evaluated: 2018-02-28. Review status: criteria provided, single submitter. Criteria: GeneDx Variant Classification (06012015). Collection method: clinical testing. Allele origin: germline. Affected: yes.
Comment: This variant is considered likely benign or benign based on one or more of the following criteria: it is a conservative change, it occurs at a poorly conserved position in the protein, it is predicted to be benign by multiple in silico algorithms, and/or has population frequency not consistent with disease.

NM_178335.3(CCDC50):c.697C>G (p.Pro233Ala)

Gene: CCDC50 (coiled-coil domain containing 50; plus strand). Cytogenetic location: 3q28.
Variant type: single nucleotide variant.
Coding change: c.697C>G on transcript NM_178335.3 (MANE Select); coding-DNA position 697, C replaced by G.
Protein change: p.Pro233Ala; replaces proline 233 with alanine.
Molecular consequence: missense variant. On other transcripts: intron variant (1).
Genome position (GRCh38, 1-based): chr3:191,375,310, C>G. VCF-style: chr3-191375310-C-G. GRCh37 (hg19) VCF-style: chr3-191093099-C-G.
Other names: c.449-4849C>G (NM_174908.4); short protein forms P233A.
Identifiers: ClinVar variation 515257 (VCV000515257.1), dbSNP rs747154818, ClinGen allele CA2755308.